The following is an entry in ClinVar:

NM_014679.5(CEP57):c.1397T>A (p.Met466Lys)

Gene: CEP57 (centrosomal protein 57; plus strand). Cytogenetic location: 11q21.
Variant type: single nucleotide variant.
Coding change: c.1397T>A on transcript NM_014679.5 (MANE Select); coding-DNA position 1397, T replaced by A.
Protein change: p.Met466Lys; replaces methionine 466 with lysine.
Molecular consequence: missense variant.
Genome position (GRCh38, 1-based): chr11:95,831,150, T>A. VCF-style: chr11-95831150-T-A. GRCh37 (hg19) VCF-style: chr11-95564314-T-A.
Other names: c.1370T>A, p.Met457Lys (NM_001243776.2); c.1319T>A, p.Met440Lys (NM_001243777.2); c.1316T>A, p.Met439Lys (NM_001363604.2, NM_001440869.1, NM_001440870.1); c.1289T>A, p.Met430Lys (NM_001440871.1); c.1280T>A, p.Met427Lys (NM_001440872.1); c.1217T>A, p.Met406Lys (NM_001440873.1); c.1211T>A, p.Met404Lys (NM_001440874.1); c.1208T>A, p.Met403Lys (NM_001440875.1); and 6 more; short protein forms M379K, M404K, M457K, M403K, M406K, M440K, M365K, M427K.
Identifiers: ClinVar variation 4845096 (VCV004845096.1).

ClinVar aggregate classification (germline): Uncertain significance (1 of 4 stars; one submission).

Conditions:
Inborn genetic diseases. Identifiers: MedGen C0950123, MeSH D030342.

Submission:

Ambry Genetics
Classification: Uncertain significance for Inborn genetic diseases. Last evaluated: 2026-01-15. Review status: criteria provided, single submitter. Criteria: Ambry Variant Classification Scheme 2023. Collection method: clinical testing. Allele origin: germline.
Comment: The p.M466K variant (also known as c.1397T>A), located in coding exon 11 of the CEP57 gene, results from a T to A substitution at nucleotide position 1397. The methionine at codon 466 is replaced by lysine, an amino acid with similar properties. This amino acid position is conserved. In addition, this alteration is predicted to be tolerated by in silico analysis. Based on the available evidence, the clinical significance of this variant remains unclear.